The following is an entry in ClinVar:

NM_080916.3(DGUOK):c.235C>T (p.Gln79Ter)

Gene: DGUOK (deoxyguanosine kinase; plus strand). Cytogenetic location: 2p13.1.
Variant type: single nucleotide variant.
Coding change: c.235C>T on transcript NM_080916.3 (MANE Select); coding-DNA position 235, C replaced by T.
Protein change: p.Gln79Ter; replaces glutamine 79 with a stop codon.
Molecular consequence: nonsense. On other transcripts: intron variant (4).
Genome position (GRCh38, 1-based): chr2:73,939,002, C>T. VCF-style: chr2-73939002-C-T. GRCh37 (hg19) VCF-style: chr2-74166129-C-T.
Other names: c.235C>T, p.Gln79Ter (NM_001318859.2, NM_080918.3); c.-37+6319C>T (NM_001318861.2, NM_001318862.2); c.-36-7717C>T (NM_001318860.2, NM_001318863.2); short protein forms Q79*.
Identifiers: ClinVar variation 1322207 (VCV001322207.8), dbSNP rs940941896, ClinGen allele CA50404364.

ClinVar aggregate classification (germline): Pathogenic. Review status: criteria provided, multiple submitters, no conflicts (2 of 4 stars). 3 submissions from 3 submitters: Pathogenic (3). Last evaluated 2025-09-11.

Conditions:
Progressive external ophthalmoplegia with mitochondrial DNA deletions, autosomal recessive 4. Also called: Adult-onset multiple mitochondrial DNA deletion syndrome due to DGUOK deficiency; PROGRESSIVE EXTERNAL OPHTHALMOPLEGIA, AUTOSOMAL RECESSIVE 4. Identifiers: Orphanet 329314, MedGen C4310733, MONDO:0014899, OMIM 617070.
Portal hypertension, noncirrhotic, 1 (NCPH1). Identifiers: MedGen CN305369, MONDO:8000013, OMIM 617068.
Mitochondrial DNA depletion syndrome 3 (hepatocerebral type). Also called: MITOCHONDRIAL DNA DEPLETION SYNDROME 3; Mitochondrial DNA depletion syndrome, hepatocerebral form due to DGUOK deficiency; Deoxyguanosine Kinase Deficiency. Identifiers: Orphanet 279934, MedGen CN074093, MONDO:0009636, OMIM 251880.

Allele frequency attached by ClinVar (database versions not stated): gnomAD exomes below 0.00001; gnomAD 0.00003 and 0.00004; TOPMed 0.00005.

Submissions (3):

Labcorp Genetics (formerly Invitae), Labcorp
Classification: Pathogenic. Last evaluated: 2025-09-11. Review status: criteria provided, single submitter. Criteria: Invitae Variant Classification Sherloc (09022015). Collection method: clinical testing. Allele origin: germline.
Comment: This sequence change creates a premature translational stop signal (p.Gln79*) in the DGUOK gene. It is expected to result in an absent or disrupted protein product. Loss-of-function variants in DGUOK are known to be pathogenic (PMID: 18205204). This variant is present in population databases (no rsID available, gnomAD 0.003%). This premature translational stop signal has been observed in individual(s) with mitochondrial DNA depletion syndrome (PMID: 15883261). ClinVar contains an entry for this variant (Variation ID: 1322207). Algorithms developed to predict the effect of sequence changes on RNA splicing suggest that this variant may disrupt the consensus splice site. For these reasons, this variant has been classified as Pathogenic.

Revvity Omics, Revvity
Classification: Pathogenic. Last evaluated: 2025-01-16. Review status: criteria provided, single submitter. Criteria: ACMG Guidelines, 2015. Collection method: clinical testing. Allele origin: germline.

Fulgent Genetics
Classification: Pathogenic for Mitochondrial DNA depletion syndrome 3 (hepatocerebral type); Portal hypertension, noncirrhotic, 1; Progressive external ophthalmoplegia with mitochondrial DNA deletions, autosomal recessive 4. Last evaluated: 2024-04-11. Review status: criteria provided, single submitter. Criteria: ACMG Guidelines, 2015. Collection method: clinical testing. Allele origin: germline.

Literature cited by the submitters: PubMed 18205204 (cited by Labcorp Genetics (formerly Invitae), Labcorp); PubMed 15883261 (cited by Labcorp Genetics (formerly Invitae), Labcorp).